The following is an entry in ClinVar:

ClinVar aggregate classification (germline): Conflicting classifications of pathogenicity. Review status: criteria provided, conflicting classifications (1 of 4 stars). 3 submissions from 3 submitters: Uncertain significance (1); Benign (1); Likely benign (1). Last evaluated 2026-01-26.

Conditions:
Hereditary cancer-predisposing syndrome. Also called: Tumor predisposition; Neoplastic Syndromes, Hereditary; Hereditary Cancer Syndrome; Hereditary neoplastic syndrome. Identifiers: Orphanet 140162, MedGen C0027672, MeSH D009386, MONDO:0015356.
Tuberous sclerosis 1 (TSC1). Identifiers: Orphanet 805, MedGen C1854465, MONDO:0008612, OMIM 191100.

Submissions (3):

Ambry Genetics
Classification: Uncertain significance for Hereditary cancer-predisposing syndrome. Last evaluated: 2026-01-26. Review status: criteria provided, single submitter. Criteria: Ambry Variant Classification Scheme 2023. Collection method: clinical testing. Allele origin: germline.
Comment: The c.711C>T variant (also known as p.S237S), located in coding exon 6 of the TSC1 gene, results from a C to T substitution at nucleotide position 711. This nucleotide substitution does not change the serine at codon 237. In silico splice site analysis for this alteration is inconclusive, and direct evidence is insufficient at this time (Ambry internal data). This nucleotide position is well conserved in available vertebrate species. Based on the available evidence, the clinical significance of this variant remains unclear.

Myriad Genetics, Inc.
Classification: Benign for Tuberous sclerosis 1. Last evaluated: 2025-04-08. Review status: criteria provided, single submitter. Criteria: Myriad Autosomal Dominant, Autosomal Recessive and X-Linked Classification Criteria (2023). Collection method: clinical testing. Allele origin: unknown.
Comment: This variant is considered benign. This variant is a silent/synonymous amino acid change and it is not expected to impact splicing.

Labcorp Genetics (formerly Invitae), Labcorp
Classification: Likely benign for Tuberous sclerosis 1. Last evaluated: 2023-11-11. Review status: criteria provided, single submitter. Criteria: Invitae Variant Classification Sherloc (09022015). Collection method: clinical testing. Allele origin: germline.

NM_000368.5(TSC1):c.711C>T (p.Ser237=)

Gene: TSC1 (TSC complex subunit 1; minus strand). Cytogenetic location: 9q34.13.
Variant type: single nucleotide variant.
Coding change: c.711C>T on transcript NM_000368.5 (MANE Select); coding-DNA position 711, C replaced by T.
Protein change: p.Ser237=; no amino-acid change (serine 237 retained).
Molecular consequence: synonymous variant.
Genome position (GRCh38, 1-based): chr9:132,921,389, G>A on the plus strand (C>T on the coding strand, the complement: TSC1 is on the minus strand). VCF-style: chr9-132921389-G-A. GRCh37 (hg19) VCF-style: chr9-135796776-G-A.
Other names: c.711C>T, p.Ser237= (NM_001162426.2); c.558C>T, p.Ser186= (NM_001162427.2); c.348C>T, p.Ser116= (NM_001362177.2).
Identifiers: ClinVar variation 764066 (VCV000764066.13), dbSNP rs1588345678, ClinGen allele CA467593730.